The following is an entry in ClinVar:

ClinVar aggregate classification (germline): Uncertain significance (1 of 4 stars; one submission).

Conditions:
Leber congenital amaurosis 6 (LCA6). Identifiers: Orphanet 65, MedGen C1854260, MONDO:0013446, OMIM 613826.
Cone-rod dystrophy 13 (CORD13). Identifiers: Orphanet 1872, MedGen C2750720, MONDO:0011987, OMIM 608194.

Allele frequency attached by ClinVar (database versions not stated): gnomAD exomes below 0.00001.
gnomAD v4.1: 1 of 1,603,824 alleles (0.000062%); highest among the groups gnomAD compares: Admixed American, 0.0017%; no homozygotes.

Submission:

Labcorp Genetics (formerly Invitae), Labcorp
Classification: Uncertain significance for Leber congenital amaurosis 6; Cone-rod dystrophy 13. Last evaluated: 2021-11-27. Review status: criteria provided, single submitter. Criteria: Invitae Variant Classification Sherloc (09022015). Collection method: clinical testing. Allele origin: germline.
Comment: This sequence change replaces lysine, which is basic and polar, with arginine, which is basic and polar, at codon 61 of the RPGRIP1 protein (p.Lys61Arg). This variant is present in population databases (no rsID available, gnomAD 0.003%). This variant has not been reported in the literature in individuals affected with RPGRIP1-related conditions. Algorithms developed to predict the effect of missense changes on protein structure and function are either unavailable or do not agree on the potential impact of this missense change (SIFT: "Tolerated"; PolyPhen-2: "Possibly Damaging"; Align-GVGD: "Class C0"). Algorithms developed to predict the effect of sequence changes on RNA splicing suggest that this variant may create or strengthen a splice site. In summary, the available evidence is currently insufficient to determine the role of this variant in disease. Therefore, it has been classified as a Variant of Uncertain Significance.

NM_020366.4(RPGRIP1):c.182A>G (p.Lys61Arg)

Gene: RPGRIP1 (RPGR interacting protein 1; plus strand). Cytogenetic location: 14q11.2.
Variant type: single nucleotide variant.
Coding change: c.182A>G on transcript NM_020366.4 (MANE Select); coding-DNA position 182, A replaced by G.
Protein change: p.Lys61Arg; replaces lysine 61 with arginine.
Molecular consequence: missense variant.
Genome position (GRCh38, 1-based): chr14:21,294,773, A>G. VCF-style: chr14-21294773-A-G. GRCh37 (hg19) VCF-style: chr14-21762932-A-G.
Other names: short protein forms K61R.
Identifiers: ClinVar variation 1424140 (VCV001424140.6), dbSNP rs1192734148, ClinGen allele CA388857839.